The following is an entry in ClinVar:

NM_015215.4(CAMTA1):c.488G>A (p.Arg163Gln)

Gene: CAMTA1 (calmodulin binding transcription activator 1; plus strand). Cytogenetic location: 1p36.23.
Variant type: single nucleotide variant.
Coding change: c.488G>A on transcript NM_015215.4 (MANE Select); coding-DNA position 488, G replaced by A.
Protein change: p.Arg163Gln; replaces arginine 163 with glutamine.
Molecular consequence: missense variant.
Genome position (GRCh38, 1-based): chr1:7,467,879, G>A. VCF-style: chr1-7467879-G-A. GRCh37 (hg19) VCF-style: chr1-7527939-G-A.
Other names: c.398G>A, p.Arg133Gln (NM_001349608.2, NM_001349612.2); c.488G>A, p.Arg163Gln (NM_001349609.2, NM_001349610.2); short protein forms R133Q, R163Q.
Identifiers: ClinVar variation 1202798 (VCV001202798.4), dbSNP rs2149542191, ClinGen allele CA338219589.

ClinVar aggregate classification (germline): Likely pathogenic (1 of 4 stars; one submission).

Submission:

GeneDx
Classification: Likely pathogenic. Last evaluated: 2024-05-02. Review status: criteria provided, single submitter. Criteria: GeneDx Variant Classification Process June 2021. Collection method: clinical testing. Allele origin: germline. Affected: yes.
Comment: RT-PCR studies indicate that this variant does not impact splicing (PMID: 34906502); Not observed at significant frequency in large population cohorts (gnomAD); In silico analysis supports that this missense variant has a deleterious effect on protein structure/function; This variant is associated with the following publications: (PMID: 34906502)